The following is an entry in ClinVar:

ClinVar aggregate classification (germline): Pathogenic. Review status: criteria provided, single submitter (1 of 4 stars). 2 submissions from 2 submitters: Pathogenic (1). 1 of the submissions does not count toward it. Last evaluated 2024-05-18.

Conditions:
Fanconi anemia complementation group D2. Also called: FANCD2-Related Fanconi Anemia; FANCONI PANCYTOPENIA, TYPE 4; FANCONI ANEMIA, COMPLEMENTATION GROUP D. Identifiers: Orphanet 84, MedGen C3160738, MONDO:0009214, OMIM 227646.
Fanconi anemia (FA). Also called: Fanconi's anemia. Identifiers: Orphanet 84, MedGen C0015625, MeSH D005199, MONDO:0019391.

Submissions (2):

Labcorp Genetics (formerly Invitae), Labcorp
Classification: Pathogenic for Fanconi anemia. Last evaluated: 2024-05-18. Review status: criteria provided, single submitter. Criteria: Invitae Variant Classification Sherloc (09022015). Collection method: clinical testing. Allele origin: germline.
Comment: This sequence change creates a premature translational stop signal (p.Arg926*) in the FANCD2 gene. It is expected to result in an absent or disrupted protein product. Loss-of-function variants in FANCD2 are known to be pathogenic (PMID: 17436244). Information on the frequency of this variant in the gnomAD database is not available, as this variant may be reported differently in the database. This premature translational stop signal has been observed in individual(s) with Fanconi anemia (PMID: 17436244). ClinVar contains an entry for this variant (Variation ID: 929663). For these reasons, this variant has been classified as Pathogenic.

Leiden Open Variation Database
Classification: Pathogenic for Fanconi anemia complementation group D2. Last evaluated: 2020-02-28. Review status: no assertion criteria provided. Collection method: curation. Allele origin: germline. Affected: yes. Not counted in ClinVar's aggregate classification.
Comment: Curator: Arleen D. Auerbach. Submitter to LOVD: Arleen D. Auerbach.

Literature cited by the submitters: PubMed 17436244 (cited by Labcorp Genetics (formerly Invitae), Labcorp and Leiden Open Variation Database).

NM_001018115.3(FANCD2):c.2775_2776delinsTT (p.Arg926Ter)

Genes: FANCD2 (FA complementation group D2; plus strand), LOC107303338 (3p25 FANCD2 Alu-mediated recombination region; plus strand). Cytogenetic location: 3p25.3.
Variant type: Indel.
Coding change: c.2775_2776delinsTT on transcript NM_001018115.3 (MANE Select); coding-DNA positions 2775 to 2776, CC replaced by TT.
Protein change: p.Arg926Ter; replaces arginine 926 with a stop codon.
Molecular consequence: nonsense.
Genome position (GRCh38, 1-based): chr3:10,074,589-10,074,590, CC replaced by TT. VCF-style: chr3-10074589-CC-TT. GRCh37 (hg19) VCF-style: chr3-10116273-CC-TT.
Other names: c.2775_2776delinsTT, p.Arg926Ter (NM_001319984.2, NM_001374254.1, NM_033084.6); c.2664_2665delinsTT, p.Arg889Ter (NM_001374253.1); short protein forms R889*, R926*.
Identifiers: ClinVar variation 929663 (VCV000929663.3), dbSNP rs1693433379, ClinGen allele CA1139657891.